The following is an entry in ClinVar:

NM_000126.4(ETFA):c.1A>G (p.Met1Val)

Gene: ETFA (electron transfer flavoprotein subunit alpha; minus strand). Cytogenetic location: 15q24.3.
Variant type: single nucleotide variant.
Coding change: c.1A>G on transcript NM_000126.4 (MANE Select); coding-DNA position 1, A replaced by G.
Protein change: p.Met1Val; changes the start codon (methionine 1).
Molecular consequence: missense variant, initiator codon variant.
Genome position (GRCh38, 1-based): chr15:76,311,388, T>C on the plus strand (A>G on the coding strand, the complement: ETFA is on the minus strand). VCF-style: chr15-76311388-T-C. GRCh37 (hg19) VCF-style: chr15-76603729-T-C.
Other names: c.1A>G, p.Met1Val (NM_001127716.2); c.1A>G (NM_000126.3); short protein forms M1V.
Identifiers: ClinVar variation 3577725 (VCV003577725.2).
Genomic context (GRCh38, chr15:76,311,388, plus strand): 5'-CGCCTTCCCAGTCCGGACTCACCGCCCGCCGGAGCTGCCCCGGAGCCGCCGCTCGGAACA[T>C]GGTCTCCGCTTCCGCCGCAACCTCGGCCTTACAGCAGCCCCGTGCCCGGCCAACTGGCGC-3'
Protein context (NP_000117.1, residues 1-11): [Met1Val]FRAAAPGQLR

ClinVar aggregate classification (germline): Pathogenic. Review status: criteria provided, multiple submitters, no conflicts (2 of 4 stars). 2 submissions from 2 submitters: Pathogenic (2). Last evaluated 2025-05-27.

Conditions:
Glutaric acidemia type 2A.
Multiple acyl-CoA dehydrogenase deficiency (MADD). Also called: ETHYLMALONIC-ADIPICACIDURIA; GA II; Glutaric aciduria, type 2; Glutaric acidemia type II; GA 2; Glutaric Acidemia type 2. Identifiers: Orphanet 26791, MedGen C0268596, MONDO:0009282, OMIM 231680.

Submissions (2):

Natera, Inc.
Classification: Pathogenic for Glutaric acidemia type 2A. Last evaluated: 2025-05-27. Review status: criteria provided, single submitter. Criteria: Natera Variant Classification Schema (03/2026). Collection method: clinical testing. Allele origin: germline.
Comment: The c.1A>G variant in ETFA is predicted to result in start loss due to disruption of the initiator methionine. This variant is expected to result in nonsense mediated decay, truncation, or a dysfunctional protein product. This variant is rare in the general population with a frequency below the threshold expected for the associated phenotype(s). This variant has been observed in one or more individuals affected with the associated recessive disease, as either homozygous or compound heterozygous with a second variant (PMID: 39234693). Given the available evidence, this variant is classified as Pathogenic.

Fulgent Genetics
Classification: Pathogenic for Multiple acyl-CoA dehydrogenase deficiency. Last evaluated: 2024-06-24. Review status: criteria provided, single submitter. Criteria: ACMG Guidelines, 2015. Collection method: clinical testing. Allele origin: germline.

Literature cited by the submitters: PubMed 39234693 (cited by Natera, Inc.).